The following is an entry in ClinVar:

ClinVar aggregate classification (germline): Conflicting classifications of pathogenicity. Review status: criteria provided, conflicting classifications (1 of 4 stars). 2 submissions from 2 submitters: Uncertain significance (1); Likely benign (1). Last evaluated 2025-12-18.

Conditions:
Parathyroid carcinoma (PRTC). Also called: Parathyroid gland carcinoma; CDC73-Related Parathyroid Carcinoma. Identifiers: Orphanet 143, MedGen C0687150, MONDO:0012004, OMIM 608266, HP:0006780.
Hereditary cancer-predisposing syndrome. Also called: Tumor predisposition; Hereditary Cancer Syndrome; Hereditary neoplastic syndrome; Neoplastic Syndromes, Hereditary. Identifiers: Orphanet 140162, MedGen C0027672, MeSH D009386, MONDO:0015356.

Allele frequency attached by ClinVar (database versions not stated): ExAC 0.00002.
gnomAD v4.1: 12 of 1,613,562 alleles (0.00074%); highest among the groups gnomAD compares: South Asian, 0.011%; no homozygotes.

Submissions (2):

Ambry Genetics
Classification: Likely benign for Hereditary cancer-predisposing syndrome. Last evaluated: 2025-12-18. Review status: criteria provided, single submitter. Criteria: Ambry Variant Classification Scheme 2023. Collection method: clinical testing. Allele origin: germline.

Labcorp Genetics (formerly Invitae), Labcorp
Classification: Uncertain significance for Parathyroid carcinoma. Last evaluated: 2023-08-25. Review status: criteria provided, single submitter. Criteria: Invitae Variant Classification Sherloc (09022015). Collection method: clinical testing. Allele origin: germline.
Comment: In summary, the available evidence is currently insufficient to determine the role of this variant in disease. Therefore, it has been classified as a Variant of Uncertain Significance. Advanced modeling of protein sequence and biophysical properties (such as structural, functional, and spatial information, amino acid conservation, physicochemical variation, residue mobility, and thermodynamic stability) performed at Invitae indicates that this missense variant is not expected to disrupt CDC73 protein function. ClinVar contains an entry for this variant (Variation ID: 1741593). This variant has not been reported in the literature in individuals affected with CDC73-related conditions. This variant is present in population databases (rs777746473, gnomAD 0.02%). This sequence change replaces proline, which is neutral and non-polar, with threonine, which is neutral and polar, at codon 339 of the CDC73 protein (p.Pro339Thr).

NM_024529.5(CDC73):c.1015C>A (p.Pro339Thr)

Gene: CDC73 (cell division cycle 73; plus strand). Cytogenetic location: 1q31.2.
Variant type: single nucleotide variant.
Coding change: c.1015C>A on transcript NM_024529.5 (MANE Select); coding-DNA position 1015, C replaced by A.
Protein change: p.Pro339Thr; replaces proline 339 with threonine.
Molecular consequence: missense variant.
Genome position (GRCh38, 1-based): chr1:193,203,837, C>A. VCF-style: chr1-193203837-C-A. GRCh37 (hg19) VCF-style: chr1-193172967-C-A.
Other names: short protein forms P339T.
Identifiers: ClinVar variation 1741593 (VCV001741593.6), dbSNP rs777746473, ClinGen allele CA1303713.